The following is an entry in ClinVar:

NM_016219.5(MAN1B1):c.*292G>A

Gene: MAN1B1 (mannosidase alpha class 1B member 1; plus strand). Cytogenetic location: 9q34.3.
Variant type: single nucleotide variant.
Coding change: c.*292G>A on transcript NM_016219.5 (MANE Select); 292 bases downstream of the stop codon, G replaced by A.
Molecular consequence: 3 prime UTR variant. On other transcripts: non-coding transcript variant (2).
Genome position (GRCh38, 1-based): chr9:137,108,883, G>A. VCF-style: chr9-137108883-G-A. GRCh37 (hg19) VCF-style: chr9-140003335-G-A.
Identifiers: ClinVar variation 365983 (VCV000365983.5), dbSNP rs145815566, ClinGen allele CA5359616.

ClinVar aggregate classification (germline): Likely benign (1 of 4 stars; one submission).

Conditions:
Rafiq syndrome (RAFQS). Identifiers: Orphanet 88616, MedGen C3280127, MONDO:0013624, OMIM 614202.

Allele frequency attached by ClinVar (database versions not stated): TOPMed 0.00030; gnomAD 0.00031 and 0.00034; 1000 Genomes Project 0.00040; 1000 Genomes Project 30x 0.00047; gnomAD exomes 0.00056 and 0.00071; ExAC 0.00171.

Submission:

Illumina Laboratory Services, Illumina
Classification: Likely benign for Rafiq syndrome. Last evaluated: 2018-01-12. Review status: criteria provided, single submitter. Criteria: ICSL Variant Classification Criteria 13 December 2019. Collection method: clinical testing. Allele origin: germline.
Comment: This variant was observed in the ICSL laboratory as part of a predisposition screen in an ostensibly healthy population. It had not been previously curated by ICSL or reported in the Human Gene Mutation Database (HGMD: prior to June 1st, 2018), and was therefore a candidate for classification through an automated scoring system. Utilizing variant allele frequency, disease prevalence and penetrance estimates, and inheritance mode, an automated score was calculated to assess if this variant is too frequent to cause the disease. Based on the score and internal cut-off values, a variant classified as likely benign is not then subjected to further curation. The score for this variant resulted in a classification of likely benign for this disease.